The following is an entry in ClinVar:

NM_015319.3(TNS2):c.6+9C>T

Genes: TNS2 (tensin 2; plus strand), TNS2-AS1 (TNS2 antisense RNA 1; minus strand). Cytogenetic location: 12q13.13.
Variant type: single nucleotide variant.
Coding change: c.6+9C>T on transcript NM_015319.3; 9 bases into the intron after coding-DNA position 6, C replaced by T.
Molecular consequence: intron variant.
Genome position (GRCh38, 1-based): chr12:53,049,257, C>T. VCF-style: chr12-53049257-C-T. GRCh37 (hg19) VCF-style: chr12-53443041-C-T.
Other names: c.-298+2194C>T (NM_198316.2); c.75+1884C>T (NM_001416202.1); c.6+9C>T (NM_001416203.1).
Identifiers: ClinVar variation 3049182 (VCV003049182.2), dbSNP rs201457662, ClinGen allele CA6591704.

ClinVar aggregate classification (germline): Likely benign (0 of 4 stars; one submission).

Conditions:
TNS2-related disorder. Also called: TNS2-related condition.

Allele frequency attached by ClinVar (database versions not stated): gnomAD exomes 0.00003; 1000 Genomes Project 0.00060; 1000 Genomes Project 30x 0.00078.
gnomAD v4.1: 55 of 1,605,876 alleles (0.0034%); highest among the groups gnomAD compares: East Asian, 0.12%; no homozygotes.

Submission:

PreventionGenetics, part of Exact Sciences
Classification: Likely benign for TNS2-related condition. Last evaluated: 2023-08-30. Review status: no assertion criteria provided. Collection method: clinical testing. Allele origin: germline.
Comment: This variant is classified as likely benign based on ACMG/AMP sequence variant interpretation guidelines (Richards et al. 2015 PMID: 25741868, with internal and published modifications).